The following is an entry in ClinVar:

NM_002497.4(NEK2):c.96G>T (p.Lys32Asn)

Genes: NEK2 (NIMA related kinase 2; minus strand), LOC129932452 (ATAC-STARR-seq lymphoblastoid active region 2489; plus strand). Cytogenetic location: 1q32.3.
Variant type: single nucleotide variant.
Coding change: c.96G>T on transcript NM_002497.4 (MANE Select); coding-DNA position 96, G replaced by T.
Protein change: p.Lys32Asn; replaces lysine 32 with asparagine.
Molecular consequence: missense variant.
Genome position (GRCh38, 1-based): chr1:211,675,384, C>A on the plus strand (G>T on the coding strand, the complement: NEK2 is on the minus strand). VCF-style: chr1-211675384-C-A. GRCh37 (hg19) VCF-style: chr1-211848726-C-A.
Other names: c.96G>T, p.Lys32Asn (NM_001204182.2, NM_001204183.2); short protein forms K32N.
Identifiers: ClinVar variation 1972495 (VCV001972495.5), dbSNP rs1462907071, ClinGen allele CA344786671.

ClinVar aggregate classification (germline): Uncertain significance (1 of 4 stars; one submission).

gnomAD v4.1: 1 of 1,613,682 alleles (0.000062%); highest among the groups gnomAD compares: Non-Finnish European, 0.000085%; no homozygotes.

Submission:

Labcorp Genetics (formerly Invitae), Labcorp
Classification: Uncertain significance. Last evaluated: 2022-07-30. Review status: criteria provided, single submitter. Criteria: Invitae Variant Classification Sherloc (09022015). Collection method: clinical testing. Allele origin: germline.
Comment: This variant is not present in population databases (gnomAD no frequency). This variant has not been reported in the literature in individuals affected with NEK2-related conditions. This sequence change replaces lysine, which is basic and polar, with asparagine, which is neutral and polar, at codon 32 of the NEK2 protein (p.Lys32Asn). This variant also falls at the last nucleotide of exon 1, which is part of the consensus splice site for this exon. Algorithms developed to predict the effect of missense changes on protein structure and function (SIFT, PolyPhen-2, Align-GVGD) all suggest that this variant is likely to be disruptive. Variants that disrupt the consensus splice site are a relatively common cause of aberrant splicing (PMID: 17576681, 9536098). Algorithms developed to predict the effect of sequence changes on RNA splicing suggest that this variant may create or strengthen a splice site. In summary, the available evidence is currently insufficient to determine the role of this variant in disease. Therefore, it has been classified as a Variant of Uncertain Significance.

Literature cited by the submitters: PubMed 17576681; PubMed 9536098.